The following is an entry in ClinVar:

ClinVar aggregate classification (germline): Pathogenic/Likely pathogenic. Review status: criteria provided, multiple submitters, no conflicts (2 of 4 stars). 6 submissions from 6 submitters: Pathogenic (4); Likely pathogenic (2). Last evaluated 2025-02-05.

Conditions:
Leber congenital amaurosis (LCA). Also called: Leber's amaurosis. Identifiers: Orphanet 65, MedGen C0339527, MeSH D057130, MONDO:0018998.
RPGRIP1-related disorder. Also called: RPGRIP1-related condition.
Leber congenital amaurosis 6 (LCA6). Identifiers: Orphanet 65, MedGen C1854260, MONDO:0013446, OMIM 613826.
Cone-rod dystrophy 13 (CORD13). Identifiers: Orphanet 1872, MedGen C2750720, MONDO:0011987, OMIM 608194.

Allele frequency attached by ClinVar (database versions not stated): gnomAD exomes 0.00004 and 0.00001; ExAC 0.00003; TOPMed 0.00003.
gnomAD v4.1: 21 of 1,611,972 alleles (0.0013%); highest among the groups gnomAD compares: East Asian, 0.045%; 1 homozygote.

Submissions (6):

SingHealth Duke-NUS Institute of Precision Medicine
Classification: Likely pathogenic for Leber congenital amaurosis 6. Last evaluated: 2025-02-05. Review status: criteria provided, single submitter. Criteria: PRISM ACMG Classification Criteria. Collection method: clinical testing. Allele origin: germline. Affected: yes.
Comment: Variant is predicted to cause LOF through splicing in a gene where LOF is a known cause of pathogenicity (PVS1). Variant is not found in gnomAD genomes and the homozygous allele count in gnomAD exomes is less than 2 (PM2)

Blueprint Genetics
Classification: Pathogenic for RPGRIP1-related disorders. Last evaluated: 2023-10-09. Review status: criteria provided, single submitter. Criteria: ACMG Guidelines, 2015. Collection method: clinical testing. Allele origin: germline. Affected: yes. Observed: 4 variant alleles.

Labcorp Genetics (formerly Invitae), Labcorp
Classification: Pathogenic for Leber congenital amaurosis 6; Cone-rod dystrophy 13. Last evaluated: 2023-07-17. Review status: criteria provided, single submitter. Criteria: Invitae Variant Classification Sherloc (09022015). Collection method: clinical testing. Allele origin: germline.
Comment: For these reasons, this variant has been classified as Pathogenic. Algorithms developed to predict the effect of sequence changes on RNA splicing suggest that this variant may disrupt the consensus splice site. ClinVar contains an entry for this variant (Variation ID: 498452). Disruption of this splice site has been observed in individuals with inherited retinal dystrophy (PMID: 21602930, 28456785, 31630094). This variant is present in population databases (rs751342895, gnomAD 0.05%). This sequence change affects an acceptor splice site in intron 11 of the RPGRIP1 gene. It is expected to disrupt RNA splicing. Variants that disrupt the donor or acceptor splice site typically lead to a loss of protein function (PMID: 16199547), and loss-of-function variants in RPGRIP1 are known to be pathogenic (PMID: 11528500, 23105016).

Women's Health and Genetics/Laboratory Corporation of America, LabCorp
Classification: Pathogenic for Leber congenital amaurosis. Last evaluated: 2022-07-14. Review status: criteria provided, single submitter. Criteria: LabCorp Variant Classification Summary - May 2015. Collection method: clinical testing. Allele origin: germline.
Comment: Variant summary: RPGRIP1 c.1468-2A>G is located in a canonical splice-site in intron 11 and is predicted to affect mRNA splicing resulting in a significantly altered protein due to either exon skipping, shortening, or inclusion of intronic material. Several computational tools predict a significant impact on normal splicing: Four predict the variant abolishes a 3' acceptor site. These predictions have been confirmed by sequencing evidence which has shown that the variant results in the complete loss of exon 12, causing the removal of 48 amino acids from the protein as a result of mis-splicing (Huang_2017). The variant allele was found at a frequency of 4e-05 in 247222 control chromosomes, exclusively within the East Asian subpopulation (at a frequency of 0.00056) in the gnomAD database. This frequency is not higher than estimated for a pathogenic variant in RPGRIP1 causing Leber Congenital Amaurosis (4e-05 vs 0.0011). c.1468-2A>G has been reported in the literature in the compound heterozygous state in individuals affected with Leber Congenital Amaurosis and in a homozygous individual affected with retinitis pigmentosa (e.g. Li_2011, Huang_2017, Xu_2020). These data indicate that the variant is likely associated with disease. Two clinical diagnostic laboratories have submitted clinical-significance assessments for this variant to ClinVar after 2014 and both classified the variant as pathogenic. Based on the evidence outlined above, the variant was classified as pathogenic.

Eurofins Ntd Llc (ga)
Classification: Pathogenic. Last evaluated: 2016-12-09. Review status: criteria provided, single submitter. Criteria: EGL Classification Definitions 2015. Collection method: clinical testing. Allele origin: germline. Observed: 1 variant allele, 1 heterozygote.

Juno Genomics, Hangzhou Juno Genomics, Inc
Classification: Likely pathogenic for Cone-rod dystrophy 13; Leber congenital amaurosis 6. Review status: criteria provided, single submitter. Criteria: ACMG Guidelines, 2015. Collection method: clinical testing. Allele origin: germline. Affected: yes.
Comment: Absent from controls (or at extremely low frequency if recessive) in Genome Aggregation Database, Exome Sequencing Project, 1000 Genomes Project, or Exome Aggregation Consortium.;Null variant in a gene where loss of function (LOF) is a known mechanism of disease.;For recessive disorders, detected in trans with a pathogenic variant.;Patient's phenotype or family history is highly specific for a disease with a single genetic etiology.

Literature cited by the submitters: PubMed 21602930 (cited by Labcorp Genetics (formerly Invitae), Labcorp and Women's Health and Genetics/Laboratory Corporation of America, LabCorp); PubMed 28456785 (cited by Labcorp Genetics (formerly Invitae), Labcorp and Women's Health and Genetics/Laboratory Corporation of America, LabCorp); PubMed 31630094 (cited by Labcorp Genetics (formerly Invitae), Labcorp and Women's Health and Genetics/Laboratory Corporation of America, LabCorp); PubMed 16199547 (cited by Labcorp Genetics (formerly Invitae), Labcorp); PubMed 11528500 (cited by Labcorp Genetics (formerly Invitae), Labcorp); PubMed 23105016 (cited by Labcorp Genetics (formerly Invitae), Labcorp).

NM_020366.4(RPGRIP1):c.1468-2A>G

Gene: RPGRIP1 (RPGR interacting protein 1; plus strand). Cytogenetic location: 14q11.2.
Variant type: single nucleotide variant.
Coding change: c.1468-2A>G on transcript NM_020366.4 (MANE Select); the canonical splice acceptor site of the intron before coding-DNA position 1468, A replaced by G.
Molecular consequence: splice acceptor variant.
Genome position (GRCh38, 1-based): chr14:21,321,257, A>G. VCF-style: chr14-21321257-A-G. GRCh37 (hg19) VCF-style: chr14-21789416-A-G.
Other names: c.394-2A>G (NM_001377948.1, NM_001377949.1, NM_001377523.1 and 1 more transcripts); c.-105-2A>G (NM_001377951.1).
Identifiers: ClinVar variation 498452 (VCV000498452.14), dbSNP rs751342895, ClinGen allele CA7088985.